The following is an entry in ClinVar:

NM_022765.4(MICAL1):c.1661T>G (p.Leu554Arg)

Gene: MICAL1 (microtubule associated monooxygenase, calponin and LIM domain containing 1; minus strand). Cytogenetic location: 6q21.
Variant type: single nucleotide variant.
Coding change: c.1661T>G on transcript NM_022765.4 (MANE Select); coding-DNA position 1661, T replaced by G.
Protein change: p.Leu554Arg; replaces leucine 554 with arginine.
Molecular consequence: missense variant.
Genome position (GRCh38, 1-based): chr6:109,448,735, A>C on the plus strand (T>G on the coding strand, the complement: MICAL1 is on the minus strand). VCF-style: chr6-109448735-A-C. GRCh37 (hg19) VCF-style: chr6-109769938-A-C.
Other names: c.1403T>G, p.Leu468Arg (NM_001159291.2); c.1718T>G, p.Leu573Arg (NM_001286613.2); short protein forms L554R, L573R, L468R.
Identifiers: ClinVar variation 1936893 (VCV001936893.5), dbSNP rs1311327811, ClinGen allele CA365228961.

ClinVar aggregate classification (germline): Uncertain significance (1 of 4 stars; one submission).

Allele frequency attached by ClinVar (database versions not stated): gnomAD 0.00001; gnomAD exomes 0.00001.
gnomAD v4.1: 20 of 1,613,878 alleles (0.0012%); highest among the groups gnomAD compares: Non-Finnish European, 0.0015%; no homozygotes.

Submission:

Labcorp Genetics (formerly Invitae), Labcorp
Classification: Uncertain significance. Last evaluated: 2022-05-29. Review status: criteria provided, single submitter. Criteria: Invitae Variant Classification Sherloc (09022015). Collection method: clinical testing. Allele origin: germline.
Comment: This sequence change replaces leucine, which is neutral and non-polar, with arginine, which is basic and polar, at codon 573 of the MICAL1 protein (p.Leu573Arg). This variant is not present in population databases (gnomAD no frequency). This variant has not been reported in the literature in individuals affected with MICAL1-related conditions. Algorithms developed to predict the effect of missense changes on protein structure and function are either unavailable or do not agree on the potential impact of this missense change (SIFT: "Deleterious"; PolyPhen-2: "Probably Damaging"; Align-GVGD: "Class C0"). In summary, the available evidence is currently insufficient to determine the role of this variant in disease. Therefore, it has been classified as a Variant of Uncertain Significance.